The following is an entry in ClinVar:

ClinVar aggregate classification (germline): Uncertain significance (1 of 4 stars; one submission).

Allele frequency attached by ClinVar (database versions not stated): gnomAD exomes below 0.00001; gnomAD 0.00001; TOPMed 0.00002.
gnomAD v4.1: 4 of 1,613,876 alleles (0.00025%); highest among the groups gnomAD compares: African/African-American, 0.0053%; no homozygotes.

Submission:

Labcorp Genetics (formerly Invitae), Labcorp
Classification: Uncertain significance. Last evaluated: 2022-09-27. Review status: criteria provided, single submitter. Criteria: Invitae Variant Classification Sherloc (09022015). Collection method: clinical testing. Allele origin: germline.
Comment: This variant is present in population databases (no rsID available, gnomAD 0.01%). This variant has not been reported in the literature in individuals affected with P3H2-related conditions. ClinVar contains an entry for this variant (Variation ID: 1463506). Advanced modeling of protein sequence and biophysical properties (such as structural, functional, and spatial information, amino acid conservation, physicochemical variation, residue mobility, and thermodynamic stability) performed at Invitae indicates that this missense variant is not expected to disrupt P3H2 protein function. In summary, the available evidence is currently insufficient to determine the role of this variant in disease. Therefore, it has been classified as a Variant of Uncertain Significance. This sequence change replaces glutamic acid, which is acidic and polar, with glycine, which is neutral and non-polar, at codon 286 of the P3H2 protein (p.Glu286Gly).

NM_018192.4(P3H2):c.857A>G (p.Glu286Gly)

Gene: P3H2 (prolyl 3-hydroxylase 2; minus strand). Cytogenetic location: 3q28.
Variant type: single nucleotide variant.
Coding change: c.857A>G on transcript NM_018192.4 (MANE Select); coding-DNA position 857, A replaced by G.
Protein change: p.Glu286Gly; replaces glutamic acid 286 with glycine.
Molecular consequence: missense variant.
Genome position (GRCh38, 1-based): chr3:189,989,005, T>C on the plus strand (A>G on the coding strand, the complement: P3H2 is on the minus strand). VCF-style: chr3-189989005-T-C. GRCh37 (hg19) VCF-style: chr3-189706794-T-C.
Other names: c.314A>G, p.Glu105Gly (NM_001134418.2); short protein forms E105G, E286G.
Identifiers: ClinVar variation 1463506 (VCV001463506.7), dbSNP rs1398384742, ClinGen allele CA355758900.